The following is an entry in ClinVar:

NM_201384.3(PLEC):c.11529_11530delinsTG (p.Arg3844Gly)

Gene: PLEC (plectin; minus strand). Cytogenetic location: 8q24.3.
Variant type: Indel.
Coding change: c.11529_11530delinsTG on transcript NM_201384.3 (MANE Select); coding-DNA positions 11529 to 11530, GC replaced by TG.
Protein change: p.Arg3844Gly; replaces arginine 3844 with glycine.
Molecular consequence: missense variant.
Genome position (GRCh38, 1-based): chr8:143,918,291-143,918,292, GC replaced by CA on the plus strand (GC replaced by TG on the coding strand, the reverse complement: PLEC is on the minus strand). VCF-style: chr8-143918291-GC-CA. GRCh37 (hg19) VCF-style: chr8-144992459-GC-CA.
Other names: c.11610_11611delinsTG, p.Arg3871Gly (NM_000445.5); c.8229_8230delinsTG, p.Arg2744Gly (NM_001410941.1); c.11487_11488delinsTG, p.Arg3830Gly (NM_201378.4); c.11463_11464delinsTG, p.Arg3822Gly (NM_201379.3); c.11940_11941delinsTG, p.Arg3981Gly (NM_201380.4); c.11433_11434delinsTG, p.Arg3812Gly (NM_201381.3); c.11529_11530delinsTG, p.Arg3844Gly (NM_201382.4); c.11541_11542delinsTG, p.Arg3848Gly (NM_201383.3); short protein forms R2744G, R3812G, R3822G, R3830G, R3844G, R3848G, R3871G, R3981G.
Identifiers: ClinVar variation 3760954 (VCV003760954.2).
Genomic context (GRCh38, chr8:143,918,291, plus strand): 5'-ACCGCCTGAGCAGCTGCGTGTAGCTGAGGCGCTCGTCGGTGGACGGGTCCACGTAGCTGC[GC>CA]ACCTCGCTGGGCTCTGACAGCTGGTCGTGCGTGTCCTTGTTGAGGTAGCCACGCTGGTAA-3'
Protein context (NP_958786.1, residues 3834-3854): HDQLSEPSEV[Arg3844Gly]SYVDPSTDER

ClinVar aggregate classification (germline): Uncertain significance (1 of 4 stars; one submission).

Conditions:
Epidermolysis bullosa simplex with nail dystrophy (EBS5D). Identifiers: MedGen C4225309, MONDO:0014661, OMIM 616487.
Epidermolysis bullosa simplex, Ogna type (EBS5A). Also called: EPIDERMOLYSIS BULLOSA SIMPLEX 5A, OGNA TYPE; Pidermolysis bullosa simplex 5A, Ogna type. Identifiers: Orphanet 79401, MedGen C0432317, MONDO:0007555, OMIM 131950.
Autosomal recessive limb-girdle muscular dystrophy type 2Q (LGMDR17). Also called: MUSCULAR DYSTROPHY, LIMB-GIRDLE, AUTOSOMAL RECESSIVE 17. Identifiers: Orphanet 254361, MedGen C3150989, MONDO:0013390, OMIM 613723.
Epidermolysis bullosa simplex 5B, with muscular dystrophy (EBS5B). Also called: EPIDERMOLYSIS BULLOSA SIMPLEX AND LIMB-GIRDLE MUSCULAR DYSTROPHY; Epidermolysis bullosa simplex with muscular dystrophy. Identifiers: Orphanet 257, MedGen C2931072, MONDO:0009181, OMIM 226670.
Epidermolysis bullosa simplex 5C, with pyloric atresia (EBS5C). Also called: PLEC1-Related Epidermolysis Bullosa with Pyloric Atresia; PLEC-Related Epidermolysis Bullosa with Pyloric Atresia; Epidermolysis bullosa simplex with pyloric atresia. Identifiers: Orphanet 158684, MedGen C2677349, MONDO:0012807, OMIM 612138.

Submission:

Labcorp Genetics (formerly Invitae), Labcorp
Classification: Uncertain significance for Autosomal recessive limb-girdle muscular dystrophy type 2Q; Epidermolysis bullosa simplex, Ogna type; Epidermolysis bullosa simplex with nail dystrophy; Epidermolysis bullosa simplex 5C, with pyloric atresia; Epidermolysis bullosa simplex 5B, with muscular dystrophy. Last evaluated: 2026-01-27. Review status: criteria provided, single submitter. Criteria: Invitae Variant Classification Sherloc (09022015). Collection method: clinical testing. Allele origin: germline.
Comment: This sequence change replaces arginine, which is basic and polar, with glycine, which is neutral and non-polar, at codon 3871 of the PLEC protein (p.Arg3871Gly). Information on the frequency of this variant in the gnomAD database is not available, as this variant may be reported differently in the database. This variant has not been reported in the literature in individuals affected with PLEC-related conditions. ClinVar contains an entry for this variant (Variation ID: 3760954). Experimental studies and prediction algorithms are not available or were not evaluated, and the functional significance of this variant is currently unknown. In summary, the available evidence is currently insufficient to determine the role of this variant in disease. Therefore, it has been classified as a Variant of Uncertain Significance.